The following is an entry in ClinVar:

ClinVar aggregate classification (germline): Uncertain significance (1 of 4 stars; one submission).

gnomAD v4.1: 3 of 1,613,072 alleles (0.00019%); highest among the groups gnomAD compares: Non-Finnish European, 0.00025%; no homozygotes.

Submission:

Labcorp Genetics (formerly Invitae), Labcorp
Classification: Uncertain significance. Last evaluated: 2025-11-03. Review status: criteria provided, single submitter. Criteria: Invitae Variant Classification Sherloc (09022015). Collection method: clinical testing. Allele origin: germline.
Comment: This sequence change replaces cysteine, which is neutral and slightly polar, with arginine, which is basic and polar, at codon 932 of the C6 protein (p.Cys932Arg). This variant is not present in population databases (gnomAD no frequency). This variant has not been reported in the literature in individuals affected with C6-related conditions. An algorithm developed to predict the effect of missense changes on protein structure and function (PolyPhen-2) suggests that this variant is likely to be disruptive. In summary, the available evidence is currently insufficient to determine the role of this variant in disease. Therefore, it has been classified as a Variant of Uncertain Significance.

NM_000065.5(C6):c.2794T>C (p.Cys932Arg)

Gene: C6 (complement C6; minus strand). Cytogenetic location: 5p13.1.
Variant type: single nucleotide variant.
Coding change: c.2794T>C on transcript NM_000065.5 (MANE Select); coding-DNA position 2794, T replaced by C.
Protein change: p.Cys932Arg; replaces cysteine 932 with arginine.
Molecular consequence: missense variant.
Genome position (GRCh38, 1-based): chr5:41,142,836, A>G on the plus strand (T>C on the coding strand, the complement: C6 is on the minus strand). VCF-style: chr5-41142836-A-G. GRCh37 (hg19) VCF-style: chr5-41142938-A-G.
Other names: c.2794T>C, p.Cys932Arg (NM_001115131.4); short protein forms C932R.
Identifiers: ClinVar variation 4797147 (VCV004797147.1).